The following is an entry in ClinVar:

ClinVar aggregate classification (germline): Pathogenic (1 of 4 stars; one submission).

Allele frequency attached by ClinVar (database versions not stated): gnomAD exomes below 0.00001.
gnomAD v4.1: 3 of 1,614,158 alleles (0.00019%); highest among the groups gnomAD compares: Non-Finnish European, 0.00025%; no homozygotes.

Submission:

Labcorp Genetics (formerly Invitae), Labcorp
Classification: Pathogenic. Last evaluated: 2023-02-21. Review status: criteria provided, single submitter. Criteria: Invitae Variant Classification Sherloc (09022015). Collection method: clinical testing. Allele origin: germline.
Comment: For these reasons, this variant has been classified as Pathogenic. This variant has not been reported in the literature in individuals affected with EYS-related conditions. This variant is not present in population databases (gnomAD no frequency). This sequence change creates a premature translational stop signal (p.Glu100*) in the EYS gene. It is expected to result in an absent or disrupted protein product. Loss-of-function variants in EYS are known to be pathogenic (PMID: 18836446, 20333770).

Literature cited by the submitters: PubMed 18836446; PubMed 20333770.

NM_001142800.2(EYS):c.298G>T (p.Glu100Ter)

Gene: EYS (EGF-like photoreceptor maintenance factor; minus strand). Cytogenetic location: 6q12.
Variant type: single nucleotide variant.
Coding change: c.298G>T on transcript NM_001142800.2 (MANE Select); coding-DNA position 298, G replaced by T.
Protein change: p.Glu100Ter; replaces glutamic acid 100 with a stop codon.
Molecular consequence: nonsense.
Genome position (GRCh38, 1-based): chr6:65,495,113, C>A on the plus strand (G>T on the coding strand, the complement: EYS is on the minus strand). VCF-style: chr6-65495113-C-A. GRCh37 (hg19) VCF-style: chr6-66205006-C-A.
Other names: c.298G>T, p.Glu100Ter (NM_001142801.2, NM_001292009.2, NM_198283.2); short protein forms E100*.
Identifiers: ClinVar variation 2807190 (VCV002807190.3), dbSNP rs2533029288, ClinGen allele CA364790218.